The following is an entry in ClinVar:

NM_005257.6(GATA6):c.730G>A (p.Gly244Ser)

Gene: GATA6 (GATA binding protein 6; plus strand). Cytogenetic location: 18q11.2.
Variant type: single nucleotide variant.
Coding change: c.730G>A on transcript NM_005257.6 (MANE Select); coding-DNA position 730, G replaced by A.
Protein change: p.Gly244Ser; replaces glycine 244 with serine.
Molecular consequence: missense variant.
Genome position (GRCh38, 1-based): chr18:22,171,874, G>A. VCF-style: chr18-22171874-G-A. GRCh37 (hg19) VCF-style: chr18-19751835-G-A.
Other names: c.730G>A (NM_005257.5); short protein forms G244S.
Identifiers: ClinVar variation 1435196 (VCV001435196.8), dbSNP rs1355067748, ClinGen allele CA401800585.

ClinVar aggregate classification (germline): Uncertain significance. Review status: criteria provided, single submitter (1 of 4 stars). 2 submissions from 2 submitters: Uncertain significance (1). 1 of the submissions does not count toward it. Last evaluated 2025-04-11.

Conditions:
Atrioventricular septal defect 5 (AVSD5). Identifiers: MedGen C3280939, MONDO:0013769, OMIM 614474.
GATA6-related disorder. Also called: GATA6-related condition.

Submissions (2):

Labcorp Genetics (formerly Invitae), Labcorp
Classification: Uncertain significance for Atrioventricular septal defect 5. Last evaluated: 2025-04-11. Review status: criteria provided, single submitter. Criteria: Invitae Variant Classification Sherloc (09022015). Collection method: clinical testing. Allele origin: germline.
Comment: This sequence change replaces glycine, which is neutral and non-polar, with serine, which is neutral and polar, at codon 244 of the GATA6 protein (p.Gly244Ser). This variant is not present in population databases (gnomAD no frequency). This variant has not been reported in the literature in individuals affected with GATA6-related conditions. ClinVar contains an entry for this variant (Variation ID: 1435196). Invitae Evidence Modeling of protein sequence and biophysical properties (such as structural, functional, and spatial information, amino acid conservation, physicochemical variation, residue mobility, and thermodynamic stability) indicates that this missense variant is not expected to disrupt GATA6 protein function with a negative predictive value of 80%. In summary, the available evidence is currently insufficient to determine the role of this variant in disease. Therefore, it has been classified as a Variant of Uncertain Significance.

PreventionGenetics, part of Exact Sciences
Classification: Uncertain significance for GATA6-related condition. Last evaluated: 2024-05-10. Review status: no assertion criteria provided. Collection method: clinical testing. Allele origin: germline. Not counted in ClinVar's aggregate classification.
Comment: The GATA6 c.730G>A variant is predicted to result in the amino acid substitution p.Gly244Ser. To our knowledge, this variant has not been reported in the literature or in a large population database, indicating this variant is rare. This variant is located in a polyglycine region of the transactivation domain. Of note, a missense variant at an adjacent amino acid (p.Gly245Arg) has been reported in an individual with persistent truncus arteriosus and functional studies indicate it reduces transactivation activity of GATA6 (Wang et al. 2014. PubMed ID: 24841381). At this time, the clinical significance of this variant is uncertain due to the absence of conclusive functional and genetic evidence.